The following is an entry in ClinVar:

NM_006031.6(PCNT):c.9128A>G (p.Gln3043Arg)

Gene: PCNT (pericentrin; plus strand). Cytogenetic location: 21q22.3.
Variant type: single nucleotide variant.
Coding change: c.9128A>G on transcript NM_006031.6 (MANE Select); coding-DNA position 9128, A replaced by G.
Protein change: p.Gln3043Arg; replaces glutamine 3043 with arginine.
Molecular consequence: missense variant.
Genome position (GRCh38, 1-based): chr21:46,438,192, A>G. VCF-style: chr21-46438192-A-G. GRCh37 (hg19) VCF-style: chr21-47858105-A-G.
Other names: c.8537A>G, p.Gln2846Arg (NM_001315529.2); short protein forms Q3043R, Q2846R.
Identifiers: ClinVar variation 340541 (VCV000340541.8), dbSNP rs747647379, ClinGen allele CA10081221.

ClinVar aggregate classification (germline): Uncertain significance. Review status: criteria provided, single submitter (1 of 4 stars). 2 submissions from 2 submitters: Uncertain significance (1). 1 of the submissions does not count toward it. Last evaluated 2018-01-13.

Conditions:
Microcephalic osteodysplastic primordial dwarfism type II (MOPD2). Also called: Microcephalic osteodysplastic primordial dwarfism with tooth abnormalities; MOPD II; OSTEODYSPLASTIC PRIMORDIAL DWARFISM, TYPE II. Identifiers: Orphanet 2637, MedGen C0432246, MONDO:0008872, OMIM 210720.
PCNT-related disorder. Also called: PCNT-related condition.

Allele frequency attached by ClinVar (database versions not stated): ExAC 0.00007; TOPMed 0.00012; gnomAD 0.00016.
gnomAD v4.1: 234 of 1,614,034 alleles (0.014%); highest among the groups gnomAD compares: Non-Finnish European, 0.019%; 1 homozygote.

Submissions (2):

Illumina Laboratory Services, Illumina
Classification: Uncertain significance for Microcephalic osteodysplastic primordial dwarfism type II. Last evaluated: 2018-01-13. Review status: criteria provided, single submitter. Criteria: ICSL Variant Classification Criteria 13 December 2019. Collection method: clinical testing. Allele origin: germline.

PreventionGenetics, part of Exact Sciences
Classification: Uncertain significance for PCNT-related condition. Last evaluated: 2024-03-29. Review status: no assertion criteria provided. Collection method: clinical testing. Allele origin: germline. Not counted in ClinVar's aggregate classification.
Comment: The PCNT c.9128A>G variant is predicted to result in the amino acid substitution p.Gln3043Arg. To our knowledge, this variant has not been reported in the literature. This variant is reported in 0.020% of alleles in individuals of African descent in gnomAD. At this time, the clinical significance of this variant is uncertain due to the absence of conclusive functional and genetic evidence.